The following is an entry in ClinVar:

NM_002016.2(FLG):c.2718C>T (p.Ser906=)

Genes: CCDST (cervical cancer associated DHX9 suppressive transcript; plus strand), FLG (filaggrin; minus strand). Cytogenetic location: 1q21.3.
Variant type: single nucleotide variant.
Coding change: c.2718C>T on transcript NM_002016.2 (MANE Select); coding-DNA position 2718, C replaced by T.
Protein change: p.Ser906=; no amino-acid change (serine 906 retained).
Molecular consequence: synonymous variant.
Genome position (GRCh38, 1-based): chr1:152,312,168, G>A on the plus strand (C>T on the coding strand, the complement: FLG is on the minus strand). VCF-style: chr1-152312168-G-A. GRCh37 (hg19) VCF-style: chr1-152284644-G-A.
Identifiers: ClinVar variation 4912196 (VCV004912196.2).

ClinVar aggregate classification (germline): Likely benign. Review status: criteria provided, multiple submitters, no conflicts (2 of 4 stars). 2 submissions from 2 submitters: Likely benign (2). Last evaluated 2024-10-27.

Conditions:
FLG-related disorder. Also called: FLG-related disorders; FLG-related condition.

Submissions (2):

PreventionGenetics, part of Exact Sciences
Classification: Likely benign for FLG-related condition. Last evaluated: 2024-10-27. Review status: criteria provided, single submitter. Criteria: ACMG Guidelines, 2015. Collection method: clinical testing. Allele origin: germline.
Comment: This variant is classified as likely benign based on ACMG/AMP sequence variant interpretation guidelines (Richards et al. 2015 PMID: 25741868, with internal and published modifications).

Blueprint Genetics
Classification: Likely benign. Last evaluated: 2024-09-02. Review status: criteria provided, single submitter. Criteria: ACMG Guidelines, 2015. Collection method: clinical testing. Allele origin: germline.